The following is an entry in ClinVar:

NM_015107.3(PHF8):c.2246G>C (p.Gly749Ala)

Gene: PHF8 (PHD finger protein 8; minus strand). Cytogenetic location: Xp11.22.
Variant type: single nucleotide variant.
Coding change: c.2246G>C on transcript NM_015107.3 (MANE Select); coding-DNA position 2246, G replaced by C.
Protein change: p.Gly749Ala; replaces glycine 749 with alanine.
Molecular consequence: missense variant.
Genome position (GRCh38, 1-based): chrX:53,985,111, C>G on the plus strand (G>C on the coding strand, the complement: PHF8 is on the minus strand). VCF-style: chrX-53985111-C-G. GRCh37 (hg19) VCF-style: chrX-54011544-C-G.
Other names: c.2354G>C, p.Gly785Ala (NM_001184896.1); c.1943G>C, p.Gly648Ala (NM_001184897.2); c.2195G>C, p.Gly732Ala (NM_001184898.2); short protein forms G785A, G749A, G648A, G732A.
Identifiers: ClinVar variation 2129872 (VCV002129872.4), dbSNP rs2519516358, ClinGen allele CA413252736.

ClinVar aggregate classification (germline): Uncertain significance (1 of 4 stars; one submission).

Allele frequency attached by ClinVar (database versions not stated): gnomAD exomes below 0.00001.
gnomAD v4.1: 3 of 1,209,944 alleles (0.00025%); highest among the groups gnomAD compares: African/African-American, 0.0017%; no homozygotes.

Submission:

Labcorp Genetics (formerly Invitae), Labcorp
Classification: Uncertain significance. Last evaluated: 2022-04-24. Review status: criteria provided, single submitter. Criteria: Invitae Variant Classification Sherloc (09022015). Collection method: clinical testing. Allele origin: germline.
Comment: In summary, the available evidence is currently insufficient to determine the role of this variant in disease. Therefore, it has been classified as a Variant of Uncertain Significance. Algorithms developed to predict the effect of missense changes on protein structure and function output the following: SIFT: "Tolerated"; PolyPhen-2: "Benign"; Align-GVGD: "Class C0". The alanine amino acid residue is found in multiple mammalian species, which suggests that this missense change does not adversely affect protein function. This variant has not been reported in the literature in individuals affected with PHF8-related conditions. This variant is not present in population databases (gnomAD no frequency). This sequence change replaces glycine, which is neutral and non-polar, with alanine, which is neutral and non-polar, at codon 749 of the PHF8 protein (p.Gly749Ala).